The following is an entry in ClinVar:

ClinVar aggregate classification (germline): Uncertain significance (1 of 4 stars; one submission).

Conditions:
Hereditary cancer-predisposing syndrome. Also called: Hereditary Cancer Syndrome; Neoplastic Syndromes, Hereditary; Tumor predisposition; Hereditary neoplastic syndrome. Identifiers: Orphanet 140162, MedGen C0027672, MeSH D009386, MONDO:0015356.

Submission:

Ambry Genetics
Classification: Uncertain significance for Hereditary cancer-predisposing syndrome. Last evaluated: 2023-12-19. Review status: criteria provided, single submitter. Criteria: Ambry Variant Classification Scheme 2023. Collection method: clinical testing. Allele origin: germline.
Comment: The p.M703R variant (also known as c.2108T>G), located in coding exon 4 of the MSH6 gene, results from a T to G substitution at nucleotide position 2108. The methionine at codon 703 is replaced by arginine, an amino acid with similar properties. This amino acid position is not well conserved in available vertebrate species. In addition, this alteration is predicted to be deleterious by in silico analysis. Since supporting evidence is limited at this time, the clinical significance of this alteration remains unclear.

NM_000179.3(MSH6):c.2108T>G (p.Met703Arg)

Gene: MSH6 (mutS homolog 6; plus strand). Cytogenetic location: 2p16.3.
Variant type: single nucleotide variant.
Coding change: c.2108T>G on transcript NM_000179.3 (MANE Select); coding-DNA position 2108, T replaced by G.
Protein change: p.Met703Arg; replaces methionine 703 with arginine.
Molecular consequence: missense variant.
Genome position (GRCh38, 1-based): chr2:47,800,091, T>G. VCF-style: chr2-47800091-T-G. GRCh37 (hg19) VCF-style: chr2-48027230-T-G.
Other names: c.1718T>G, p.Met573Arg (NM_001281492.2); c.1202T>G, p.Met401Arg (NM_001281493.2, NM_001281494.2); short protein forms M703R, M401R, M573R.
Identifiers: ClinVar variation 480847 (VCV000480847.5), dbSNP rs1064793189, ClinGen allele CA346750931.